The following is an entry in ClinVar:

NM_001394998.1(TANC2):c.1942A>G (p.Lys648Glu)

Gene: TANC2 (tetratricopeptide repeat, ankyrin repeat and coiled-coil containing 2; plus strand). Cytogenetic location: 17q23.3.
Variant type: single nucleotide variant.
Coding change: c.1942A>G on transcript NM_001394998.1 (MANE Select); coding-DNA position 1942, A replaced by G.
Protein change: p.Lys648Glu; replaces lysine 648 with glutamic acid.
Molecular consequence: missense variant.
Genome position (GRCh38, 1-based): chr17:63,351,384, A>G. VCF-style: chr17-63351384-A-G. GRCh37 (hg19) VCF-style: chr17-61428745-A-G.
Other names: c.1720A>G, p.Lys574Glu (NM_001411076.1, NM_025185.4); short protein forms K574E, K648E.
Identifiers: ClinVar variation 2635575 (VCV002635575.1), dbSNP rs2510081362, ClinGen allele CA400522074.
Genomic context (GRCh38, chr17:63,351,384, plus strand): 5'-TATGGGGATACAATTGTATCGTTTCTGAGTAAAATGATCGGAAAGTTTCCTTCTTGGCTC[A>G]AACTAATTGTAACAGTTAGGACCAGTTTACAGGTATGTGTTTGTTTGCTTTTAAACCATA-3'
Protein context (NP_001381927.1, residues 638-658): KMIGKFPSWL[Lys648Glu]LIVTVRTSLQ

ClinVar aggregate classification (germline): Uncertain significance (1 of 4 stars; one submission).

Conditions:
TANC2-related disorder. Also called: TANC2-related condition.

Submission:

PreventionGenetics, part of Exact Sciences
Classification: Uncertain significance for TANC2-related condition. Last evaluated: 2022-12-02. Review status: criteria provided, single submitter. Criteria: ACMG Guidelines, 2015. Collection method: clinical testing. Allele origin: germline.
Comment: The TANC2 c.1720A>G variant is predicted to result in the amino acid substitution p.Lys574Glu. To our knowledge, this variant has not been reported in the literature or in a large population database, indicating this variant is rare. At this time, the clinical significance of this variant is uncertain due to the absence of conclusive functional and genetic evidence.